The following is an entry in ClinVar:

NM_015450.3(POT1):c.1033A>G (p.Arg345Gly)

Gene: POT1 (protection of telomeres 1; minus strand). Cytogenetic location: 7q31.33.
Variant type: single nucleotide variant.
Coding change: c.1033A>G on transcript NM_015450.3 (MANE Select); coding-DNA position 1033, A replaced by G.
Protein change: p.Arg345Gly; replaces arginine 345 with glycine.
Molecular consequence: missense variant. On other transcripts: non-coding transcript variant (3).
Genome position (GRCh38, 1-based): chr7:124,842,937, T>C on the plus strand (A>G on the coding strand, the complement: POT1 is on the minus strand). VCF-style: chr7-124842937-T-C. GRCh37 (hg19) VCF-style: chr7-124482991-T-C.
Other names: c.640A>G, p.Arg214Gly (NM_001042594.2); short protein forms R214G, R345G.
Identifiers: ClinVar variation 3308977 (VCV003308977.1).

ClinVar aggregate classification (germline): Uncertain significance (1 of 4 stars; one submission).

Conditions:
Hereditary cancer-predisposing syndrome. Also called: Neoplastic Syndromes, Hereditary; Tumor predisposition; Hereditary neoplastic syndrome; Hereditary Cancer Syndrome. Identifiers: Orphanet 140162, MedGen C0027672, MeSH D009386, MONDO:0015356.

Submission:

Ambry Genetics
Classification: Uncertain significance for Hereditary cancer-predisposing syndrome. Last evaluated: 2024-06-03. Review status: criteria provided, single submitter. Criteria: Ambry Variant Classification Scheme 2023. Collection method: clinical testing. Allele origin: germline.
Comment: The p.R345G variant (also known as c.1033A>G), located in coding exon 9 of the POT1 gene, results from an A to G substitution at nucleotide position 1033. The arginine at codon 345 is replaced by glycine, an amino acid with dissimilar properties. This amino acid position is conserved. In addition, this alteration is predicted to be tolerated by in silico analysis. Based on the available evidence, the clinical significance of this variant remains unclear.